The following is an entry in ClinVar:

ClinVar aggregate classification (germline): Benign/Likely benign. Review status: criteria provided, multiple submitters, no conflicts (2 of 4 stars). 5 submissions from 5 submitters: Benign (3); Likely benign (1). 1 of the submissions does not count toward it. Last evaluated 2025-07-21.

Conditions:
ADCY1-related disorder. Also called: ADCY1-related condition.

Allele frequency attached by ClinVar (database versions not stated): gnomAD exomes 0.00026 and 0.00067; ExAC 0.00078; 1000 Genomes Project 0.00120; 1000 Genomes Project 30x 0.00125; gnomAD 0.00307 and 0.00335; ESP Exome Variant Server 0.00316; TOPMed 0.00318.
gnomAD v4.1: 869 of 1,611,554 alleles (0.054%); highest among the groups gnomAD compares: African/African-American, 1.1%; 8 homozygotes.

Submissions (5):

Labcorp Genetics (formerly Invitae), Labcorp
Classification: Likely benign. Last evaluated: 2025-07-21. Review status: criteria provided, single submitter. Criteria: Invitae Variant Classification Sherloc (09022015). Collection method: clinical testing. Allele origin: germline.

GeneDx
Classification: Benign. Last evaluated: 2019-05-22. Review status: criteria provided, single submitter. Criteria: GeneDx Variant Classification Process June 2021. Collection method: clinical testing. Allele origin: germline. Affected: yes.

Laboratory for Molecular Medicine, Mass General Brigham Personalized Medicine
Classification: Benign. Last evaluated: 2017-08-23. Review status: criteria provided, single submitter. Criteria: LMM Criteria. Collection method: clinical testing. Allele origin: germline. Observed: 1 variant allele.
Comment: c.2327+6T>A in intron 13 of ADCY1: This variant is not expected to have clinical significance because it has been identified in 0.84% (86/10252) of African chro mosomes by the Exome Aggregation Consortium (ExAC, g; dbSNP rs75860455).

Eurofins Ntd Llc (ga)
Classification: Benign. Last evaluated: 2017-01-19. Review status: criteria provided, single submitter. Criteria: EGL Classification Definitions 2015. Collection method: clinical testing. Allele origin: germline. Observed: 1 variant allele, 1 heterozygote.

PreventionGenetics, part of Exact Sciences
Classification: Benign for ADCY1-related condition. Last evaluated: 2020-02-05. Review status: no assertion criteria provided. Collection method: clinical testing. Allele origin: germline. Not counted in ClinVar's aggregate classification.
Comment: This variant is classified as benign based on ACMG/AMP sequence variant interpretation guidelines (Richards et al. 2015 PMID: 25741868, with internal and published modifications).

NM_021116.4(ADCY1):c.2327+6T>A

Gene: ADCY1 (adenylate cyclase 1; plus strand). Cytogenetic location: 7p12.3.
Variant type: single nucleotide variant.
Coding change: c.2327+6T>A on transcript NM_021116.4 (MANE Select); 6 bases into the intron after coding-DNA position 2327, T replaced by A.
Molecular consequence: intron variant.
Genome position (GRCh38, 1-based): chr7:45,686,221, T>A. VCF-style: chr7-45686221-T-A. GRCh37 (hg19) VCF-style: chr7-45725820-T-A.
Identifiers: ClinVar variation 499489 (VCV000499489.19), dbSNP rs75860455, ClinGen allele CA4249194.